The following is an entry in ClinVar:

NM_139076.3(ABRAXAS1):c.190T>C (p.Tyr64His)

Gene: ABRAXAS1 (abraxas 1, BRCA1 A complex subunit; minus strand). Cytogenetic location: 4q21.23.
Variant type: single nucleotide variant.
Coding change: c.190T>C on transcript NM_139076.3 (MANE Select); coding-DNA position 190, T replaced by C.
Protein change: p.Tyr64His; replaces tyrosine 64 with histidine.
Molecular consequence: missense variant. On other transcripts: 5 prime UTR variant (1).
Genome position (GRCh38, 1-based): chr4:83,476,668, A>G on the plus strand (T>C on the coding strand, the complement: ABRAXAS1 is on the minus strand). VCF-style: chr4-83476668-A-G. GRCh37 (hg19) VCF-style: chr4-84397821-A-G.
Other names: c.-71T>C (NM_001345962.2); short protein forms Y64H.
Identifiers: ClinVar variation 1800144 (VCV001800144.6), dbSNP rs768638289, ClinGen allele CA2990611.
Genomic context (GRCh38, chr4:83,476,668, plus strand): 5'-CAATGGATCATTTACTTACTAGCACTACTACTTACCTAAAAAGCTGATAGCATGGAATAT[A>G]TTTCTGAATGTCTGGAAGAAAAGGATTTTTAGTTATGATTACATTAATTCAATTCAGAAT-3'
Protein context (NP_620775.2, residues 54-74): EVVYTIDIQK[Tyr64His]IPCYQLFSFY

ClinVar aggregate classification (germline): Uncertain significance. Review status: criteria provided, multiple submitters, no conflicts (2 of 4 stars). 2 submissions from 2 submitters: Uncertain significance (2). Last evaluated 2024-07-02.

Allele frequency attached by ClinVar (database versions not stated): gnomAD exomes below 0.00001; TOPMed below 0.00001; ExAC 0.00001.
gnomAD v4.1: 1 of 1,565,468 alleles (0.000064%); highest among the groups gnomAD compares: Admixed American, 0.0017%; no homozygotes.

Submissions (2):

Ambry Genetics
Classification: Uncertain significance. Last evaluated: 2024-07-02. Review status: criteria provided, single submitter. Criteria: Ambry Variant Classification Scheme 2023. Collection method: clinical testing. Allele origin: germline.
Comment: The p.Y64H variant (also known as c.190T>C), located in coding exon 3 of the FAM175A gene, results from a T to C substitution at nucleotide position 190. The tyrosine at codon 64 is replaced by histidine, an amino acid with similar properties. This amino acid position is conserved. In addition, this alteration is predicted to be tolerated by in silico analysis. Since supporting evidence is limited at this time, the clinical significance of this alteration remains unclear.

Labcorp Genetics (formerly Invitae), Labcorp
Classification: Uncertain significance. Last evaluated: 2023-08-23. Review status: criteria provided, single submitter. Criteria: Invitae Variant Classification Sherloc (09022015). Collection method: clinical testing. Allele origin: germline.
Comment: In summary, the available evidence is currently insufficient to determine the role of this variant in disease. Therefore, it has been classified as a Variant of Uncertain Significance. Advanced modeling of protein sequence and biophysical properties (such as structural, functional, and spatial information, amino acid conservation, physicochemical variation, residue mobility, and thermodynamic stability) performed at Invitae indicates that this missense variant is not expected to disrupt ABRAXAS1 protein function. ClinVar contains an entry for this variant (Variation ID: 1800144). This variant has not been reported in the literature in individuals affected with ABRAXAS1-related conditions. This variant is present in population databases (rs768638289, gnomAD 0.003%). This sequence change replaces tyrosine, which is neutral and polar, with histidine, which is basic and polar, at codon 64 of the ABRAXAS1 protein (p.Tyr64His).